The following is an entry in ClinVar:

ClinVar aggregate classification (germline): Uncertain significance. Review status: criteria provided, multiple submitters, no conflicts (2 of 4 stars). 2 submissions from 2 submitters: Uncertain significance (2). Last evaluated 2025-03-25.

Conditions:
Familial focal epilepsy with variable foci (FPEVF). Identifiers: Orphanet 98820, MedGen C1858477, MONDO:0020310.

gnomAD v4.1: 15 of 1,614,114 alleles (0.00093%); highest among the groups gnomAD compares: African/African-American, 0.0013%; no homozygotes.

Submissions (2):

Labcorp Genetics (formerly Invitae), Labcorp
Classification: Uncertain significance for Familial focal epilepsy with variable foci. Last evaluated: 2025-03-25. Review status: criteria provided, single submitter. Criteria: Invitae Variant Classification Sherloc (09022015). Collection method: clinical testing. Allele origin: germline.
Comment: This sequence change replaces threonine, which is neutral and polar, with proline, which is neutral and non-polar, at codon 1029 of the DEPDC5 protein (p.Thr1029Pro). This variant is not present in population databases (gnomAD no frequency). This variant has not been reported in the literature in individuals affected with DEPDC5-related conditions. ClinVar contains an entry for this variant (Variation ID: 1382378). An algorithm developed to predict the effect of missense changes on protein structure and function outputs the following: PolyPhen-2: "Not Available". The proline amino acid residue is found in multiple mammalian species, which suggests that this missense change does not adversely affect protein function. In summary, the available evidence is currently insufficient to determine the role of this variant in disease. Therefore, it has been classified as a Variant of Uncertain Significance.

Mayo Clinic Laboratories, Mayo Clinic
Classification: Uncertain significance. Last evaluated: 2024-02-16. Review status: criteria provided, single submitter. Criteria: ACMG Guidelines, 2015. Collection method: clinical testing. Allele origin: germline. Observed: 1 variant allele.
Comment: BP4

NM_001242896.3(DEPDC5):c.3085A>C (p.Thr1029Pro)

Gene: DEPDC5 (DEP domain containing 5, GATOR1 subcomplex subunit; plus strand). Cytogenetic location: 22q12.3.
Variant type: single nucleotide variant.
Coding change: c.3085A>C on transcript NM_001242896.3 (MANE Select); coding-DNA position 3085, A replaced by C.
Protein change: p.Thr1029Pro; replaces threonine 1029 with proline.
Molecular consequence: missense variant. On other transcripts: non-coding transcript variant (5).
Genome position (GRCh38, 1-based): chr22:31,846,897, A>C. VCF-style: chr22-31846897-A-C. GRCh37 (hg19) VCF-style: chr22-32242883-A-C.
Other names: p.Thr1029Pro; c.3058A>C, p.Thr1020Pro (NM_001136029.4, NM_001369903.1, NM_014662.6); c.2851A>C, p.Thr951Pro (NM_001242897.2, NM_001363854.2, NM_001364319.2); c.3085A>C, p.Thr1029Pro (NM_001363852.2, NM_001364318.2, NM_001364320.2); c.3001A>C, p.Thr1001Pro (NM_001369901.1, NM_001369902.1); short protein forms T951P, T1001P, T1020P, T1029P.
Identifiers: ClinVar variation 1382378 (VCV001382378.7), dbSNP rs537257402, ClinGen allele CA411292148.
Genomic context (GRCh38, chr22:31,846,897, plus strand): 5'-GGGACCGCCATGAAAGGCTTGCAGATGACTGGGCCCATTTCCACGCATTCTCTGGAGTCA[A>C]CTGCACCCCCAGTGGGGAAGAAGGGAACCTCAGCTCTCTCTGCCCTGTTGGAGATGGAGG-3'
Protein context (NP_001229825.1, residues 1019-1039): GPISTHSLES[Thr1029Pro]APPVGKKGTS